The following is an entry in ClinVar:

NM_017827.4(SARS2):c.352C>T (p.Arg118Trp)

Gene: SARS2 (seryl-tRNA synthetase 2, mitochondrial; minus strand). Cytogenetic location: 19q13.2.
Variant type: single nucleotide variant.
Coding change: c.352C>T on transcript NM_017827.4 (MANE Select); coding-DNA position 352, C replaced by T.
Protein change: p.Arg118Trp; replaces arginine 118 with tryptophan.
Molecular consequence: missense variant.
Genome position (GRCh38, 1-based): chr19:38,926,216, G>A on the plus strand (C>T on the coding strand, the complement: SARS2 is on the minus strand). VCF-style: chr19-38926216-G-A. GRCh37 (hg19) VCF-style: chr19-39416856-G-A.
Other names: c.352C>T, p.Arg118Trp (NM_001145901.2); short protein forms R118W.
Identifiers: ClinVar variation 559231 (VCV000559231.19), dbSNP rs147412052, ClinGen allele CA9423258.
Genomic context (GRCh38, chr19:38,926,216, plus strand): 5'-AGAGACACCCTCGTGGCCACTCCCCACCTACTCAGGGCACCATGCTCACCAGCAGGGCCC[G>A]CACTGCCTCAGTCACAGCTGCCTTCTCTTCCTCCAGGCTCCGGATCTGCTCCTGCAGCTG-3'
Protein context (NP_060297.1, residues 108-128): EEKAAVTEAV[Arg118Trp]ALLANQDSGE

ClinVar aggregate classification (germline): Conflicting classifications of pathogenicity. Review status: criteria provided, conflicting classifications (1 of 4 stars). 5 submissions from 5 submitters: Uncertain significance (2); Likely benign (2). 1 of the submissions does not count toward it. Last evaluated 2026-04-27.

Conditions:
SARS2-related disorder. Also called: SARS2-related condition.

Allele frequency attached by ClinVar (database versions not stated): gnomAD 0.00057; ESP Exome Variant Server 0.00069; 1000 Genomes Project 30x 0.00078; 1000 Genomes Project 0.00080; TOPMed 0.00087.
gnomAD v4.1: 322 of 1,606,032 alleles (0.02%); highest among the groups gnomAD compares: African/African-American, 0.26%; 1 homozygote.

Submissions (5):

PreventionGenetics, part of Exact Sciences
Classification: Likely benign for SARS2-related condition. Last evaluated: 2026-04-27. Review status: criteria provided, single submitter. Criteria: ACMG Guidelines, 2015. Collection method: clinical testing. Allele origin: germline.
Comment: This variant is classified as likely benign based on ACMG/AMP sequence variant interpretation guidelines (Richards et al. 2015 PMID: 25741868, with internal and published modifications).

Labcorp Genetics (formerly Invitae), Labcorp
Classification: Likely benign. Last evaluated: 2025-12-17. Review status: criteria provided, single submitter. Criteria: Invitae Variant Classification Sherloc (09022015). Collection method: clinical testing. Allele origin: germline.

Blueprint Genetics
Classification: Uncertain significance. Last evaluated: 2024-10-18. Review status: criteria provided, single submitter. Criteria: ACMG Guidelines, 2015. Collection method: clinical testing. Allele origin: germline.

GeneDx
Classification: Uncertain significance. Last evaluated: 2024-01-08. Review status: criteria provided, single submitter. Criteria: GeneDx Variant Classification Process June 2021. Collection method: clinical testing. Allele origin: germline. Affected: yes.
Comment: In silico analysis supports that this missense variant has a deleterious effect on protein structure/function; Has not been previously published as pathogenic or benign to our knowledge

Mayo Clinic Laboratories, Mayo Clinic
Classification: Uncertain significance. Last evaluated: 2016-02-29. Review status: no assertion criteria provided. Collection method: clinical testing. Allele origin: unknown. Not counted in ClinVar's aggregate classification.